The following is an entry in ClinVar:

ClinVar aggregate classification (germline): Uncertain significance. Review status: criteria provided, multiple submitters, no conflicts (2 of 4 stars). 3 submissions from 3 submitters: Uncertain significance (3). Last evaluated 2025-05-12.

Conditions:
Vici syndrome (VICIS). Identifiers: Orphanet 1493, MedGen C1855772, MONDO:0009452, OMIM 242840.
Inborn genetic diseases. Identifiers: MedGen C0950123, MeSH D030342.

Allele frequency attached by ClinVar (database versions not stated): gnomAD 0.00001.
gnomAD v4.1: 1 of 1,613,620 alleles (0.000062%); highest among the groups gnomAD compares: African/African-American, 0.0013%; no homozygotes.

Submissions (3):

GeneDx
Classification: Uncertain significance. Last evaluated: 2025-05-12. Review status: criteria provided, single submitter. Criteria: GeneDx Variant Classification Process June 2021. Collection method: clinical testing. Allele origin: germline. Affected: yes.
Comment: Not observed at significant frequency in large population cohorts (gnomAD); In silico analysis supports that this missense variant has a deleterious effect on protein structure/function; This variant is associated with the following publications: (PMID: 38318287)

Next Generation Genetic Polyclinic
Classification: Uncertain significance for Vici syndrome. Last evaluated: 2025-03-25. Review status: criteria provided, single submitter. Criteria: ACMG Guidelines, 2015. Collection method: clinical testing. Allele origin: germline. Affected: yes. Observed: 1 variant allele.
Comment: Novel missense variant in EPG5 (c.5714G>A; p.Asp1905Asn), absent from population databases (PM2). In silico predictions are uncertain or conflicting. The gene is associated with autosomal recessive Vici syndrome; however, no second variant or clear phenotype match provided. No evidence from functional studies or publications. Meets ACMG criteria: PM2, PP3. Sanger sequencing confirmed variant presence.

Ambry Genetics
Classification: Uncertain significance for Inborn genetic diseases. Last evaluated: 2021-09-17. Review status: criteria provided, single submitter. Criteria: Ambry Variant Classification Scheme 2023. Collection method: clinical testing. Allele origin: germline.

NM_020964.3(EPG5):c.5714G>A (p.Arg1905Gln)

Gene: EPG5 (ectopic P-granules 5 autophagy tethering factor; minus strand). Cytogenetic location: 18q12.3.
Variant type: single nucleotide variant.
Coding change: c.5714G>A on transcript NM_020964.3 (MANE Select); coding-DNA position 5714, G replaced by A.
Protein change: p.Arg1905Gln; replaces arginine 1905 with glutamine.
Molecular consequence: missense variant.
Genome position (GRCh38, 1-based): chr18:45,879,168, C>T on the plus strand (G>A on the coding strand, the complement: EPG5 is on the minus strand). VCF-style: chr18-45879168-C-T. GRCh37 (hg19) VCF-style: chr18-43459133-C-T.
Other names: c.5714G>A, p.Arg1905Gln (NM_001410858.1, NM_001410859.1); short protein forms R1905Q.
Identifiers: ClinVar variation 2251119 (VCV002251119.4), dbSNP rs1176388681, ClinGen allele CA402342970.